The following is an entry in ClinVar:

NM_001005373.4(LRSAM1):c.1515G>A (p.Ser505=)

Gene: LRSAM1 (leucine rich repeat and sterile alpha motif containing 1; plus strand). Cytogenetic location: 9q33.3.
Variant type: single nucleotide variant.
Coding change: c.1515G>A on transcript NM_001005373.4 (MANE Select); coding-DNA position 1515, G replaced by A.
Protein change: p.Ser505=; no amino-acid change (serine 505 retained).
Molecular consequence: synonymous variant. On other transcripts: non-coding transcript variant (2).
Genome position (GRCh38, 1-based): chr9:127,492,813, G>A. VCF-style: chr9-127492813-G-A. GRCh37 (hg19) VCF-style: chr9-130255092-G-A.
Other names: c.1515G>A, p.Ser505= (NM_001005374.4, NM_001384142.1, NM_001384143.1 and 1 more transcripts); c.1434G>A, p.Ser478= (NM_001190723.3); c.726G>A, p.Ser242= (NM_001384144.1).
Identifiers: ClinVar variation 701162 (VCV000701162.16), dbSNP rs140066362, ClinGen allele CA5247038.

ClinVar aggregate classification (germline): Conflicting classifications of pathogenicity. Review status: criteria provided, conflicting classifications (1 of 4 stars). 3 submissions from 3 submitters: Uncertain significance (1); Likely benign (2). Last evaluated 2026-03-16.

Conditions:
Charcot-Marie-Tooth disease axonal type 2P. Also called: Charcot-Marie-Tooth Neuropathy Type 2G; CHARCOT-MARIE-TOOTH DISEASE, AXONAL, TYPE 2G; CMT 2G; CHARCOT-MARIE-TOOTH NEUROPATHY, TYPE 2P. Identifiers: Orphanet 300319, Orphanet 99941, MedGen C3280797, MONDO:0013753, OMIM 614436.
LRSAM1-related disorder. Also called: LRSAM1-related condition.

Allele frequency attached by ClinVar (database versions not stated): gnomAD exomes 0.00006; ExAC 0.00009; ESP Exome Variant Server 0.00015; 1000 Genomes Project 30x 0.00016; gnomAD 0.00017 and 0.00019; TOPMed 0.00019; 1000 Genomes Project 0.00020.
gnomAD v4.1: 123 of 1,613,806 alleles (0.0076%); highest among the groups gnomAD compares: African/African-American, 0.041%; no homozygotes.

Submissions (3):

PreventionGenetics, part of Exact Sciences
Classification: Likely benign for LRSAM1-related condition. Last evaluated: 2026-03-16. Review status: criteria provided, single submitter. Criteria: ACMG Guidelines, 2015. Collection method: clinical testing. Allele origin: germline.
Comment: This variant is classified as likely benign based on ACMG/AMP sequence variant interpretation guidelines (Richards et al. 2015 PMID: 25741868, with internal and published modifications).

Labcorp Genetics (formerly Invitae), Labcorp
Classification: Likely benign for Charcot-Marie-Tooth disease axonal type 2P. Last evaluated: 2025-09-21. Review status: criteria provided, single submitter. Criteria: Invitae Variant Classification Sherloc (09022015). Collection method: clinical testing. Allele origin: germline.

Illumina Laboratory Services, Illumina
Classification: Uncertain significance for Charcot-Marie-Tooth disease axonal type 2P. Last evaluated: 2018-03-16. Review status: criteria provided, single submitter. Criteria: ICSL Variant Classification Criteria 13 December 2019. Collection method: clinical testing. Allele origin: germline.